The following is an entry in ClinVar:

NM_130385.4(IRAG1):c.600C>T (p.Ser200=)

Gene: IRAG1 (inositol 1,4,5-triphosphate receptor associated 1; minus strand). Cytogenetic location: 11p15.4.
Variant type: single nucleotide variant.
Coding change: c.600C>T on transcript NM_130385.4 (MANE Select); coding-DNA position 600, C replaced by T.
Protein change: p.Ser200=; no amino-acid change (serine 200 retained).
Molecular consequence: synonymous variant. On other transcripts: 5 prime UTR variant (2).
Genome position (GRCh38, 1-based): chr11:10,628,803, G>A on the plus strand (C>T on the coding strand, the complement: IRAG1 is on the minus strand). VCF-style: chr11-10628803-G-A. GRCh37 (hg19) VCF-style: chr11-10650350-G-A.
Other names: c.573C>T, p.Ser191= (NM_001098579.3); c.327C>T, p.Ser109= (NM_001100163.3); c.-349C>T (NM_001100167.3); c.600C>T, p.Ser200= (NM_001206880.2); c.-293C>T (NM_001206881.2); c.594C>T, p.Ser198= (NM_006069.2).
Identifiers: ClinVar variation 2641598 (VCV002641598.24), dbSNP rs190761149, ClinGen allele CA5884492.

ClinVar aggregate classification (germline): Likely benign (1 of 4 stars; one submission).

Allele frequency attached by ClinVar (database versions not stated): TOPMed 0.00156; 1000 Genomes Project 30x 0.00250; gnomAD 0.00257; 1000 Genomes Project 0.00280; ESP Exome Variant Server 0.00297; ExAC 0.00463.
gnomAD v4.1: 4,522 of 1,577,494 alleles (0.29%); highest among the groups gnomAD compares: Middle Eastern, 0.89%; 16 homozygotes.

Submission:

CeGaT Center for Human Genetics Tuebingen
Classification: Likely benign. Last evaluated: 2022-04-01. Review status: criteria provided, single submitter. Criteria: CeGaT Center For Human Genetics Tuebingen Variant Classification Criteria Version 2. Collection method: clinical testing. Allele origin: germline. Affected: yes. Observed: 2 variant alleles.
Comment: IRAG1: BP4, BP7